The following is an entry in ClinVar:

ClinVar aggregate classification (germline): Uncertain significance. Review status: criteria provided, multiple submitters, no conflicts (2 of 4 stars). 4 submissions from 4 submitters: Uncertain significance (4). Last evaluated 2024-10-20.

Conditions:
Hereditary cancer-predisposing syndrome. Also called: Neoplastic Syndromes, Hereditary; Tumor predisposition; Hereditary Cancer Syndrome; Hereditary neoplastic syndrome. Identifiers: Orphanet 140162, MedGen C0027672, MeSH D009386, MONDO:0015356.
Oligodontia-cancer predisposition syndrome. Also called: TOOTH AGENESIS-COLORECTAL CANCER SYNDROME. Identifiers: Orphanet 300576, MedGen C1837750, MONDO:0012075, OMIM 608615. Disease mechanism: loss of function.

Allele frequency attached by ClinVar (database versions not stated): gnomAD 0.00001; TOPMed 0.00001.
gnomAD v4.1: 1 of 1,614,046 alleles (0.000062%); highest among the groups gnomAD compares: Non-Finnish European, 0.000085%; no homozygotes.

Submissions (4):

Labcorp Genetics (formerly Invitae), Labcorp
Classification: Uncertain significance for Oligodontia-cancer predisposition syndrome. Last evaluated: 2024-10-20. Review status: criteria provided, single submitter. Criteria: Invitae Variant Classification Sherloc (09022015). Collection method: clinical testing. Allele origin: germline.
Comment: This sequence change replaces proline, which is neutral and non-polar, with histidine, which is basic and polar, at codon 226 of the AXIN2 protein (p.Pro226His). This variant is present in population databases (no rsID available, gnomAD 0.007%). This variant has not been reported in the literature in individuals affected with AXIN2-related conditions. ClinVar contains an entry for this variant (Variation ID: 640604). Invitae Evidence Modeling of protein sequence and biophysical properties (such as structural, functional, and spatial information, amino acid conservation, physicochemical variation, residue mobility, and thermodynamic stability) indicates that this missense variant is expected to disrupt AXIN2 protein function with a positive predictive value of 80%. In summary, the available evidence is currently insufficient to determine the role of this variant in disease. Therefore, it has been classified as a Variant of Uncertain Significance.

Quest Diagnostics Nichols Institute San Juan Capistrano
Classification: Uncertain significance. Last evaluated: 2024-09-21. Review status: criteria provided, single submitter. Criteria: Quest Diagnostics criteria. Collection method: clinical testing. Allele origin: unknown.
Comment: The AXIN2 c.677C>A (p.Pro226His) variant has not been reported in individuals with AXIN2-related conditions in the published literature. The frequency of this variant in the general population, 0.0000066 (1/152162 chromosomes (Genome Aggregation Database)), is uninformative in the assessment of its pathogenicity. Analysis of this variant using bioinformatics tools for the prediction of the effect of amino acid changes on protein structure and function yielded predictions that this variant is damaging. Based on the available information, we are unable to determine the clinical significance of this variant.

Ambry Genetics
Classification: Uncertain significance for Hereditary cancer-predisposing syndrome. Last evaluated: 2024-03-09. Review status: criteria provided, single submitter. Criteria: Ambry Variant Classification Scheme 2023. Collection method: clinical testing. Allele origin: germline.
Comment: The p.P226H variant (also known as c.677C>A), located in coding exon 1 of the AXIN2 gene, results from a C to A substitution at nucleotide position 677. The proline at codon 226 is replaced by histidine, an amino acid with similar properties. This amino acid position is conserved. In addition, this alteration is predicted to be deleterious by in silico analysis. Since supporting evidence is limited at this time, the clinical significance of this alteration remains unclear.

GeneDx
Classification: Uncertain significance. Last evaluated: 2023-05-09. Review status: criteria provided, single submitter. Criteria: GeneDx Variant Classification Process June 2021. Collection method: clinical testing. Allele origin: germline. Affected: yes.
Comment: Not observed at significant frequency in large population cohorts (gnomAD); In silico analysis supports that this missense variant has a deleterious effect on protein structure/function; Has not been previously published as pathogenic or benign to our knowledge

NM_004655.4(AXIN2):c.677C>A (p.Pro226His)

Gene: AXIN2 (axin 2; minus strand). Cytogenetic location: 17q24.1.
Variant type: single nucleotide variant.
Coding change: c.677C>A on transcript NM_004655.4 (MANE Select); coding-DNA position 677, C replaced by A.
Protein change: p.Pro226His; replaces proline 226 with histidine.
Molecular consequence: missense variant.
Genome position (GRCh38, 1-based): chr17:65,557,944, G>T on the plus strand (C>A on the coding strand, the complement: AXIN2 is on the minus strand). VCF-style: chr17-65557944-G-T. GRCh37 (hg19) VCF-style: chr17-63554062-G-T.
Other names: c.677C>A (LRG_296t1); c.677C>A, p.Pro226His (NM_001363813.1); short protein forms P226H.
Identifiers: ClinVar variation 640604 (VCV000640604.15), dbSNP rs1243178407, ClinGen allele CA400680512.